The following is an entry in ClinVar:

NM_000264.5(PTCH1):c.2148C>A (p.Ser716=)

Genes: PTCH1 (patched 1; minus strand), LOC100507346 (uncharacterized LOC100507346; plus strand). Cytogenetic location: 9q22.32.
Variant type: single nucleotide variant.
Coding change: c.2148C>A on transcript NM_000264.5 (MANE Select); coding-DNA position 2148, C replaced by A.
Protein change: p.Ser716=; no amino-acid change (serine 716 retained).
Molecular consequence: synonymous variant. On other transcripts: non-coding transcript variant (2).
Genome position (GRCh38, 1-based): chr9:95,468,853, G>T on the plus strand (C>A on the coding strand, the complement: PTCH1 is on the minus strand). VCF-style: chr9-95468853-G-T. GRCh37 (hg19) VCF-style: chr9-98231135-G-T.
Other names: c.1950C>A, p.Ser650= (NM_001083602.3); c.2145C>A, p.Ser715= (NM_001083603.3); c.1695C>A, p.Ser565= (NM_001083604.3, NM_001083605.3, NM_001083606.3 and 1 more transcripts); c.1992C>A, p.Ser664= (NM_001354918.2).
Identifiers: ClinVar variation 4085725 (VCV004085725.8).
Genomic context (GRCh38, chr9:95,468,853, plus strand): 5'-AGCAAAAGATGAGAGTGTCCACTTCGTACAGGGGGGCTCGAGGCAGTGGAGGCTGGAGTC[G>T]GAGAACTGGGAGAGCAGGTCCCTTGTGGAGCTGGTGCTCTCTGGGCTCTGGCAGCTGAGG-3'
Protein context (NP_000255.2, residues 706-726): SSTRDLLSQF[Ser716=]DSSLHCLEPP

ClinVar aggregate classification (germline): Likely benign (1 of 4 stars; one submission).

Submission:

CeGaT Center for Human Genetics Tuebingen
Classification: Likely benign. Last evaluated: 2025-08-01. Review status: criteria provided, single submitter. Criteria: CeGaT Center For Human Genetics Tuebingen Variant Classification Criteria Version 2. Collection method: clinical testing. Allele origin: germline. Affected: yes. Observed: 1 variant allele.
Comment: PTCH1: PM2:Supporting, BP4, BP7